The following is an entry in ClinVar:

ClinVar aggregate classification (germline): Uncertain significance (1 of 4 stars; one submission).

gnomAD v4.1: 1 of 1,550,138 alleles (0.000065%); highest among the groups gnomAD compares: Non-Finnish European, 0.000087%; no homozygotes.

Submission:

GeneDx
Classification: Uncertain significance. Last evaluated: 2026-01-23. Review status: criteria provided, single submitter. Criteria: GeneDx Variant Classification Process June 2021. Collection method: clinical testing. Allele origin: germline.
Comment: Not observed at significant frequency in large population cohorts (gnomAD); In silico analysis supports that this missense variant has a deleterious effect on protein structure/function; Has not been previously published as pathogenic or benign to our knowledge

NM_001145026.2(PTPRQ):c.3643T>C (p.Tyr1215His)

Gene: PTPRQ (protein tyrosine phosphatase receptor type Q; plus strand). Cytogenetic location: 12q21.31.
Variant type: single nucleotide variant.
Coding change: c.3643T>C on transcript NM_001145026.2 (MANE Select); coding-DNA position 3643, T replaced by C.
Protein change: p.Tyr1215His; replaces tyrosine 1215 with histidine.
Molecular consequence: missense variant.
Genome position (GRCh38, 1-based): chr12:80,542,286, T>C. VCF-style: chr12-80542286-T-C. GRCh37 (hg19) VCF-style: chr12-80936065-T-C.
Other names: short protein forms Y1215H.
Identifiers: ClinVar variation 4975241 (VCV004975241.1).